The following is an entry in ClinVar:

NM_201253.3(CRB1):c.889C>T (p.His297Tyr)

Gene: CRB1 (crumbs cell polarity complex component 1; plus strand). Cytogenetic location: 1q31.3.
Variant type: single nucleotide variant.
Coding change: c.889C>T on transcript NM_201253.3 (MANE Select); coding-DNA position 889, C replaced by T.
Protein change: p.His297Tyr; replaces histidine 297 with tyrosine.
Molecular consequence: missense variant. On other transcripts: non-coding transcript variant (2), intron variant (1).
Genome position (GRCh38, 1-based): chr1:197,347,380, C>T. VCF-style: chr1-197347380-C-T. GRCh37 (hg19) VCF-style: chr1-197316510-C-T.
Other names: c.682C>T, p.His228Tyr (NM_001257965.2); c.889C>T, p.His297Tyr (NM_001257966.2); c.653-9451C>T (NM_001193640.2); short protein forms H297Y, H228Y.
Identifiers: ClinVar variation 1976508 (VCV001976508.4), dbSNP rs780792667, ClinGen allele CA1311756.
Genomic context (GRCh38, chr1:197,347,380, plus strand): 5'-AAATTTCATTTACTTTCCAGATATAGCTGTAACTGCACGGGTAGTGGATTCACAGGGACA[C>T]ACTGTGAGACCTTGATGCCTCTTTGTTGGTCAAAACCTTGTCACAATAATGCTACATGTG-3'
Protein context (NP_957705.1, residues 287-307): NCTGSGFTGT[His297Tyr]CETLMPLCWS

ClinVar aggregate classification (germline): Uncertain significance (1 of 4 stars; one submission).

Conditions:
Leber congenital amaurosis 8 (LCA8). Identifiers: Orphanet 65, MedGen C3151202, MONDO:0013453, OMIM 613835.
Retinitis pigmentosa 12 (RP12). Also called: RP WITH OR WITHOUT PPRPE; RP WITH OR WITHOUT PRESERVED PARAARTERIOLE RETINAL PIGMENT EPITHELIUM; RETINITIS PIGMENTOSA WITH OR WITHOUT PARAARTERIOLAR PRESERVATION OF RETINAL PIGMENT EPITHELIUM. Identifiers: Orphanet 791, MedGen C1838647, MONDO:0010818, OMIM 600105.

Allele frequency attached by ClinVar (database versions not stated): ExAC 0.00001.
gnomAD v4.1: 1 of 1,613,954 alleles (0.000062%); highest among the groups gnomAD compares: South Asian, 0.0011%; no homozygotes.

Submission:

Labcorp Genetics (formerly Invitae), Labcorp
Classification: Uncertain significance for Leber congenital amaurosis 8; Retinitis pigmentosa 12. Last evaluated: 2024-02-17. Review status: criteria provided, single submitter. Criteria: Invitae Variant Classification Sherloc (09022015). Collection method: clinical testing. Allele origin: germline.
Comment: This sequence change replaces histidine, which is basic and polar, with tyrosine, which is neutral and polar, at codon 297 of the CRB1 protein (p.His297Tyr). This variant is present in population databases (rs780792667, gnomAD 0.003%). This variant has not been reported in the literature in individuals affected with CRB1-related conditions. ClinVar contains an entry for this variant (Variation ID: 1976508). Advanced modeling of protein sequence and biophysical properties (such as structural, functional, and spatial information, amino acid conservation, physicochemical variation, residue mobility, and thermodynamic stability) has been performed at Invitae for this missense variant, however the output from this modeling did not meet the statistical confidence thresholds required to predict the impact of this variant on CRB1 protein function. In summary, the available evidence is currently insufficient to determine the role of this variant in disease. Therefore, it has been classified as a Variant of Uncertain Significance.